The following is an entry in ClinVar:

NM_022049.3(GPR88):c.800C>T (p.Pro267Leu)

Gene: GPR88 (G protein-coupled receptor 88; plus strand). Cytogenetic location: 1p21.2.
Variant type: single nucleotide variant.
Coding change: c.800C>T on transcript NM_022049.3 (MANE Select); coding-DNA position 800, C replaced by T.
Protein change: p.Pro267Leu; replaces proline 267 with leucine.
Molecular consequence: missense variant.
Genome position (GRCh38, 1-based): chr1:100,539,766, C>T. VCF-style: chr1-100539766-C-T. GRCh37 (hg19) VCF-style: chr1-101005322-C-T.
Other names: short protein forms P267L.
Identifiers: ClinVar variation 1495361 (VCV001495361.8), dbSNP rs1203647738, ClinGen allele CA341392514.
Genomic context (GRCh38, chr1:100,539,766, plus strand): 5'-TCCCGGGCGCCCAGCACGCGCCGGGCCCCGGTGGCGCCGCGCACCCGGCGCAGGCCCAGC[C>T]CCTGCCGCCCGCGCTGCACCCGCGGCGGGCACAGCGGCGTCTCAGCGGCCTGTCGGTGCT-3'
Protein context (NP_071332.2, residues 257-277): GGAAHPAQAQ[Pro267Leu]LPPALHPRRA

ClinVar aggregate classification (germline): Uncertain significance (1 of 4 stars; one submission).

Allele frequency attached by ClinVar (database versions not stated): gnomAD 0.00001; gnomAD exomes 0.00002; TOPMed 0.00002.

Submission:

Labcorp Genetics (formerly Invitae), Labcorp
Classification: Uncertain significance. Last evaluated: 2022-02-04. Review status: criteria provided, single submitter. Criteria: Invitae Variant Classification Sherloc (09022015). Collection method: clinical testing. Allele origin: germline.
Comment: The frequency data for this variant in the population databases is considered unreliable, as metrics indicate insufficient coverage at this position in the gnomAD database. This sequence change replaces proline, which is neutral and non-polar, with leucine, which is neutral and non-polar, at codon 267 of the GPR88 protein (p.Pro267Leu). This variant has not been reported in the literature in individuals affected with GPR88-related conditions. In summary, the available evidence is currently insufficient to determine the role of this variant in disease. Therefore, it has been classified as a Variant of Uncertain Significance. Algorithms developed to predict the effect of missense changes on protein structure and function are either unavailable or do not agree on the potential impact of this missense change (SIFT: "Deleterious"; PolyPhen-2: "Not Available"; Align-GVGD: "Class C0").